The following is an entry in ClinVar:

NM_147127.5(EVC2):c.-17G>C

Gene: EVC2 (EvC ciliary complex subunit 2; minus strand). Cytogenetic location: 4p16.2.
Variant type: single nucleotide variant.
Coding change: c.-17G>C on transcript NM_147127.5 (MANE Select); 17 bases upstream of the start codon, G replaced by C.
Molecular consequence: 5 prime UTR variant. On other transcripts: intron variant (1).
Genome position (GRCh38, 1-based): chr4:5,708,530, C>G on the plus strand (G>C on the coding strand, the complement: EVC2 is on the minus strand). VCF-style: chr4-5708530-C-G. GRCh37 (hg19) VCF-style: chr4-5710257-C-G.
Other names: c.-13+299G>C (NM_001166136.2).
Identifiers: ClinVar variation 669149 (VCV000669149.1), dbSNP rs1048547708, ClinGen allele CA91731726.
Genomic context (GRCh38, chr4:5,708,530, plus strand): 5'-GCCAGCACCCACGTGGGGCGCCCCCGGGAGCCCGAGGGGTCCATCGCCTGTCGGGACCCG[C>G]TACCTCAAAGCGGCGGGTGCCGCCGAGTCGCTGGAGCTTCCGGACCCCAGGCCCGCCCCG-3'

ClinVar aggregate classification (germline): Likely benign (1 of 4 stars; one submission).

Allele frequency attached by ClinVar (database versions not stated): gnomAD 0.00016 and 0.00018; TOPMed 0.00022.
gnomAD v4.1: 48 of 1,429,354 alleles (0.0034%); highest among the groups gnomAD compares: African/African-American, 0.066%; no homozygotes.

Submission:

GeneDx
Classification: Likely benign. Last evaluated: 2018-05-29. Review status: criteria provided, single submitter. Criteria: GeneDx Variant Classification (06012015). Collection method: clinical testing. Allele origin: germline. Affected: yes.
Comment: This variant is considered likely benign or benign based on one or more of the following criteria: it is a conservative change, it occurs at a poorly conserved position in the protein, it is predicted to be benign by multiple in silico algorithms, and/or has population frequency not consistent with disease.